The following is an entry in ClinVar:

NM_001008537.3(NEXMIF):c.1769A>T (p.Lys590Met)

Gene: NEXMIF (neurite extension and migration factor; minus strand). Cytogenetic location: Xq13.3.
Variant type: single nucleotide variant.
Coding change: c.1769A>T on transcript NM_001008537.3 (MANE Select); coding-DNA position 1769, A replaced by T.
Protein change: p.Lys590Met; replaces lysine 590 with methionine.
Molecular consequence: missense variant.
Genome position (GRCh38, 1-based): chrX:74,742,788, T>A on the plus strand (A>T on the coding strand, the complement: NEXMIF is on the minus strand). VCF-style: chrX-74742788-T-A. GRCh37 (hg19) VCF-style: chrX-73962623-T-A.
Other names: short protein forms K590M.
Identifiers: ClinVar variation 2627771 (VCV002627771.2), dbSNP rs2519914979, ClinGen allele CA413669735.

ClinVar aggregate classification (germline): Uncertain significance. Review status: criteria provided, single submitter (1 of 4 stars). 2 submissions from 2 submitters: Uncertain significance (1). 1 of the submissions does not count toward it. Last evaluated 2024-04-22.

Conditions:
X-linked intellectual disability, Cantagrel type (XLID98). Also called: INTELLECTUAL DEVELOPMENTAL DISORDER, X-LINKED 98. Identifiers: Orphanet 85277, MedGen C3806730, MONDO:0010483, OMIM 300912.

Allele frequency attached by ClinVar (database versions not stated): gnomAD exomes below 0.00001.
gnomAD v4.1: 1 of 1,211,469 alleles (0.000083%); highest among the groups gnomAD compares: Non-Finnish European, 0.00011%; no homozygotes.

Submissions (2):

Women's Health and Genetics/Laboratory Corporation of America, LabCorp
Classification: Uncertain significance. Last evaluated: 2024-04-22. Review status: criteria provided, single submitter. Criteria: LabCorp Variant Classification Summary - May 2015. Collection method: clinical testing. Allele origin: germline.
Comment: Variant summary: NEXMIF c.1769A>T (p.Lys590Met) results in a non-conservative amino acid change located in the Domain of unknown function DUF4683 (IPR032757) of the encoded protein sequence. Four of five in-silico tools predict a damaging effect of the variant on protein function. The variant was absent in 182471 control chromosomes. The available data on variant occurrences in the general population are insufficient to allow any conclusion about variant significance. To our knowledge, no occurrence of c.1769A>T in individuals affected with Intellectual Developmental Disorder, X-Linked 98 and no experimental evidence demonstrating its impact on protein function have been reported. ClinVar contains an entry for this variant (Variation ID: 2627771). Based on the evidence outlined above, the variant was classified as uncertain significance.

Zotz-Klimas Genetics Lab, MVZ Zotz Klimas
Classification: Uncertain significance for X-linked intellectual disability, Cantagrel type. Last evaluated: 2023-11-02. Review status: no assertion criteria provided. Collection method: clinical testing. Allele origin: germline. Affected: yes. Not counted in ClinVar's aggregate classification.